The following is an entry in ClinVar:

ClinVar aggregate classification (germline): Likely benign (0 of 4 stars; one submission).

Conditions:
PCDHA9-related disorder. Also called: PCDHA9-related condition.

Allele frequency attached by ClinVar (database versions not stated): gnomAD 0.00767; 1000 Genomes Project 30x 0.00390; gnomAD exomes 0.00989.
gnomAD v4.1: 14,493 of 1,499,630 alleles (0.97%); highest among the groups gnomAD compares: Non-Finnish European, 1%; 1,246 homozygotes.

Submission:

PreventionGenetics, part of Exact Sciences
Classification: Likely benign for PCDHA9-related condition. Last evaluated: 2020-09-25. Review status: no assertion criteria provided. Collection method: clinical testing. Allele origin: germline.
Comment: This variant is classified as likely benign based on ACMG/AMP sequence variant interpretation guidelines (Richards et al. 2015 PMID: 25741868, with internal and published modifications).

NM_031857.2(PCDHA9):c.2394+59G>A

Genes: PCDHA1 (protocadherin alpha 1; plus strand), PCDHA2 (protocadherin alpha 2; plus strand), PCDHA3 (protocadherin alpha 3; plus strand), PCDHA4 (protocadherin alpha 4; plus strand), PCDHA5 (protocadherin alpha 5; plus strand) and 5 more. Cytogenetic location: 5q31.3.
Variant type: single nucleotide variant.
Coding change: c.2394+59G>A on transcript NM_031857.2 (MANE Select); 59 bases into the intron after coding-DNA position 2394, G replaced by A.
Molecular consequence: intron variant. On other transcripts: missense variant (1).
Genome position (GRCh38, 1-based): chr5:140,850,948, G>A. VCF-style: chr5-140850948-G-A. GRCh37 (hg19) VCF-style: chr5-140230533-G-A.
Other names: c.2453G>A, p.Arg818Gln (NM_014005.5); c.2394+62264G>A (NM_018900.4); c.1602+63056G>A (NM_031411.3); c.2388+53596G>A (NM_018905.3); c.2394+47357G>A (NM_018906.3); c.2385+41376G>A (NM_018907.4); c.2352+26821G>A (NM_018908.3); c.2394+20463G>A (NM_018909.4); and 3 more; short protein forms R818Q.
Identifiers: ClinVar variation 3055729 (VCV003055729.2), dbSNP rs148067258, ClinGen allele CA3450803.
Genomic context (GRCh38, chr5:140,850,948, plus strand): 5'-AGGTGGGTTTTTCTAGCATTTTATTTATTTATATAATTTTTTTTCTTGAAAGATATTATC[G>A]ATTACTCCCAGGGGCCGTTCAAATAGTTTTATTCATTTTTCTAGAAATCCAGCAGATTTT-3'